The following is an entry in ClinVar:

ClinVar aggregate classification (germline): Pathogenic/Likely pathogenic. Review status: criteria provided, multiple submitters, no conflicts (2 of 4 stars). 2 submissions from 2 submitters: Pathogenic (1); Likely pathogenic (1). Last evaluated 2024-03-20.

Conditions:
Fanconi anemia complementation group I (FANCI). Also called: FANCI-Related Fanconi Anemia. Identifiers: Orphanet 84, MedGen C1836861, MONDO:0012186, OMIM 609053.
Fanconi anemia (FA). Also called: Fanconi's anemia. Identifiers: Orphanet 84, MedGen C0015625, MeSH D005199, MONDO:0019391.

Submissions (2):

Baylor Genetics
Classification: Likely pathogenic for Fanconi anemia complementation group I. Last evaluated: 2024-03-20. Review status: criteria provided, single submitter. Criteria: ACMG Guidelines, 2015. Collection method: clinical testing. Allele origin: unknown.

Labcorp Genetics (formerly Invitae), Labcorp
Classification: Pathogenic for Fanconi anemia. Last evaluated: 2024-02-23. Review status: criteria provided, single submitter. Criteria: Invitae Variant Classification Sherloc (09022015). Collection method: clinical testing. Allele origin: germline.
Comment: This sequence change creates a premature translational stop signal (p.Glu247Asnfs*39) in the FANCI gene. It is expected to result in an absent or disrupted protein product. Loss-of-function variants in FANCI are known to be pathogenic (PMID: 17452773, 17460694). This variant is not present in population databases (gnomAD no frequency). This variant has not been reported in the literature in individuals affected with FANCI-related conditions. For these reasons, this variant has been classified as Pathogenic.

Literature cited by the submitters: PubMed 17452773 (cited by Labcorp Genetics (formerly Invitae), Labcorp); PubMed 17460694 (cited by Labcorp Genetics (formerly Invitae), Labcorp).

NM_001113378.2(FANCI):c.739del (p.Glu247fs)

Gene: FANCI (FA complementation group I; plus strand). Cytogenetic location: 15q26.1.
Variant type: Deletion.
Coding change: c.739del on transcript NM_001113378.2 (MANE Select); coding-DNA position 739, one base deleted (G; older notation c.739delG).
Protein change: p.Glu247fs; shifts the reading frame from glutamic acid 247.
Molecular consequence: frameshift variant.
Genome position (GRCh38, 1-based): chr15:89,264,591, G deleted; the last of 2 consecutive G bases (chr15:89,264,590-89,264,591); deleting either gives the same sequence. VCF-style (leftmost placement, unchanged base first): chr15-89264589-AG-A. GRCh37 (hg19) VCF-style: chr15-89807820-AG-A.
Other names: c.460del, p.Glu154fs (NM_001376910.1); c.739del, p.Glu247fs (NM_001376911.1, NM_018193.3); short protein forms E154fs, E247fs.
Identifiers: ClinVar variation 2957315 (VCV002957315.4), dbSNP rs2505984516, ClinGen allele CA2575827622.